The following is an entry in ClinVar:

NC_000003.11:g.(?_8775563)_(9986075_?)dup

Genes: CRELD1 (CRELD disulfide isomerase 1; plus strand), IL17RC (interleukin 17 receptor C; plus strand), IL17RE (interleukin 17 receptor E; plus strand), JAGN1 (jagunal vesicle mediated transporter 1; plus strand), LHFPL4 (LHFPL tetraspan subfamily member 4; minus strand) and 17 more. Cytogenetic location: 3p25.3.
Variant type: Duplication.
Identifiers: ClinVar variation 1412633 (VCV001412633.3).

ClinVar aggregate classification (germline): Uncertain significance (1 of 4 stars; one submission).

Conditions:
Long QT syndrome (LQTS). Identifiers: MedGen C0023976, MeSH D008133, MONDO:0002442. Disease mechanism: loss of function. Inheritance: Various modes of inheritance.

Submission:

Labcorp Genetics (formerly Invitae), Labcorp
Classification: Uncertain significance for Long QT syndrome. Last evaluated: 2021-06-14. Review status: criteria provided, single submitter. Criteria: Invitae Variant Classification Sherloc (09022015). Collection method: clinical testing. Allele origin: germline.
Comment: This variant results in a copy number gain of the genomic region encompassing the full coding sequence of the CAV3 gene. The boundaries of this event are unknown as they extend beyond the assayed region for this gene and therefore may encompass additional genes. As the precise location of this event is unknown, it may be in tandem or it may be located elsewhere in the genome. This variant has not been reported in the literature in individuals with CAV3-related conditions. In summary, the available evidence is currently insufficient to determine the role of this variant in disease. Therefore, it has been classified as a Variant of Uncertain Significance.